The following is an entry in ClinVar:

ClinVar aggregate classification (germline): Likely benign. Review status: criteria provided, multiple submitters, no conflicts (2 of 4 stars). 3 submissions from 3 submitters: Likely benign (3). Last evaluated 2026-01-31.

Allele frequency attached by ClinVar (database versions not stated): ESP Exome Variant Server 0.00023; TOPMed 0.00018.

Submissions (3):

Labcorp Genetics (formerly Invitae), Labcorp
Classification: Likely benign. Last evaluated: 2026-01-31. Review status: criteria provided, single submitter. Criteria: Invitae Variant Classification Sherloc (09022015). Collection method: clinical testing. Allele origin: germline.

GeneDx
Classification: Likely benign. Last evaluated: 2018-05-23. Review status: criteria provided, single submitter. Criteria: GeneDx Variant Classification (06012015). Collection method: clinical testing. Allele origin: germline. Affected: yes.
Comment: This variant is considered likely benign or benign based on one or more of the following criteria: it is a conservative change, it occurs at a poorly conserved position in the protein, it is predicted to be benign by multiple in silico algorithms, and/or has population frequency not consistent with disease.

Breakthrough Genomics
Classification: Likely benign. Review status: criteria provided, single submitter. Criteria: ACMG Guidelines, 2015. Collection method: not provided. Allele origin: germline. Inheritance: Autosomal dominant inheritance. Affected: yes.

NM_018943.3(TUBA8):c.804G>T (p.Pro268=)

Gene: TUBA8 (tubulin alpha 8; plus strand). Cytogenetic location: 22q11.21.
Variant type: single nucleotide variant.
Coding change: c.804G>T on transcript NM_018943.3 (MANE Select); coding-DNA position 804, G replaced by T.
Protein change: p.Pro268=; no amino-acid change (proline 268 retained).
Molecular consequence: synonymous variant.
Genome position (GRCh38, 1-based): chr22:18,126,782, G>T. VCF-style: chr22-18126782-G-T. GRCh37 (hg19) VCF-style: chr22-18609549-G-T.
Other names: c.606G>T, p.Pro202= (NM_001193414.2).
Identifiers: ClinVar variation 668443 (VCV000668443.8), dbSNP rs149523842, ClinGen allele CA10093762.
Genomic context (GRCh38, chr22:18,126,782, plus strand): 5'-CAATGTGGACCTCACTGAGTTCCAGACCAACCTGGTGCCCTACCCCCGCATCCACTTCCC[G>T]CTGGTCACCTACGCGCCCATCATCTCTGCCGAGAAAGCCTATCACGAACAGCTCTCTGTG-3'
Protein context (NP_061816.1, residues 258-278): NLVPYPRIHF[Pro268=]LVTYAPIISA